The following is an entry in ClinVar:

ClinVar aggregate classification (germline): Uncertain significance. Review status: criteria provided, multiple submitters, no conflicts (2 of 4 stars). 2 submissions from 2 submitters: Uncertain significance (2). Last evaluated 2025-03-04.

Conditions:
Nephrolithiasis/nephrocalcinosis. Identifiers: MedGen CN580796.

Submissions (2):

Center for Genomic Medicine, Rigshospitalet, Copenhagen University Hospital
Classification: Uncertain significance. Last evaluated: 2025-03-04. Review status: criteria provided, single submitter. Criteria: ACMG Guidelines, 2015. Collection method: clinical testing. Allele origin: germline.

Ambry Genetics
Classification: Uncertain significance for Nephrolithiasis/nephrocalcinosis. Last evaluated: 2022-08-22. Review status: criteria provided, single submitter. Criteria: Ambry Variant Classification Scheme 2023. Collection method: clinical testing. Allele origin: germline.
Comment: The p.S543N variant (also known as c.1628G>A), located in coding exon 5 of the CASR gene, results from a G to A substitution at nucleotide position 1628. The serine at codon 543 is replaced by asparagine, an amino acid with highly similar properties. This amino acid position is conserved. In addition, the in silico prediction for this alteration is inconclusive. Since supporting evidence is limited at this time, the clinical significance of this alteration remains unclear.

NM_000388.4(CASR):c.1628G>A (p.Ser543Asn)

Gene: CASR (calcium sensing receptor; plus strand). Cytogenetic location: 3q21.1.
Variant type: single nucleotide variant.
Coding change: c.1628G>A on transcript NM_000388.4 (MANE Select); coding-DNA position 1628, G replaced by A.
Protein change: p.Ser543Asn; replaces serine 543 with asparagine.
Molecular consequence: missense variant.
Genome position (GRCh38, 1-based): chr3:122,282,132, G>A. VCF-style: chr3-122282132-G-A. GRCh37 (hg19) VCF-style: chr3-122000979-G-A.
Other names: c.1658G>A, p.Ser553Asn (NM_001178065.2); short protein forms S543N, S553N.
Identifiers: ClinVar variation 1776740 (VCV001776740.3), dbSNP rs1576875740, ClinGen allele CA354156154.